The following is an entry in ClinVar:

ClinVar aggregate classification (germline): Conflicting classifications of pathogenicity. Review status: criteria provided, conflicting classifications (1 of 4 stars). 2 submissions from 2 submitters: Uncertain significance (1); Likely benign (1). Last evaluated 2025-12-08.

Conditions:
Norman-Roberts syndrome (LIS2). Also called: Lissencephaly 2 (Norman-Roberts type). Identifiers: Orphanet 89844, MedGen C0796089, MONDO:0009760, OMIM 257320.
Familial temporal lobe epilepsy 7. Identifiers: Orphanet 101046, MedGen C4225327, MONDO:0014639, OMIM 616436.

Allele frequency attached by ClinVar (database versions not stated): gnomAD 0.00002; TOPMed 0.00002.
gnomAD v4.1: 22 of 1,614,062 alleles (0.0014%); highest among the groups gnomAD compares: Middle Eastern, 0.016%; no homozygotes.

Submissions (2):

Labcorp Genetics (formerly Invitae), Labcorp
Classification: Likely benign for Familial temporal lobe epilepsy 7; Norman-Roberts syndrome. Last evaluated: 2025-12-08. Review status: criteria provided, single submitter. Criteria: Invitae Variant Classification Sherloc (09022015). Collection method: clinical testing. Allele origin: germline.

GeneDx
Classification: Uncertain significance. Last evaluated: 2024-03-08. Review status: criteria provided, single submitter. Criteria: GeneDx Variant Classification Process June 2021. Collection method: clinical testing. Allele origin: germline. Affected: yes.
Comment: Not observed at significant frequency in large population cohorts (gnomAD); In silico analysis supports that this missense variant does not alter protein structure/function; Has not been previously published as pathogenic or benign to our knowledge

NM_005045.4(RELN):c.6986C>T (p.Thr2329Ile)

Gene: RELN (reelin; minus strand). Cytogenetic location: 7q22.1.
Variant type: single nucleotide variant.
Coding change: c.6986C>T on transcript NM_005045.4 (MANE Select); coding-DNA position 6986, C replaced by T.
Protein change: p.Thr2329Ile; replaces threonine 2329 with isoleucine.
Molecular consequence: missense variant.
Genome position (GRCh38, 1-based): chr7:103,539,272, G>A on the plus strand (C>T on the coding strand, the complement: RELN is on the minus strand). VCF-style: chr7-103539272-G-A. GRCh37 (hg19) VCF-style: chr7-103179719-G-A.
Other names: c.6986C>T, p.Thr2329Ile (NM_173054.3); c.6986C>T (NM_005045.3); short protein forms T2329I.
Identifiers: ClinVar variation 1494165 (VCV001494165.9), dbSNP rs201403495, ClinGen allele CA4420824.